The following is an entry in ClinVar:

NM_016222.4(DDX41):c.451T>C (p.Tyr151His)

Gene: DDX41 (DEAD-box helicase 41; minus strand). Cytogenetic location: 5q35.3.
Variant type: single nucleotide variant.
Coding change: c.451T>C on transcript NM_016222.4 (MANE Select); coding-DNA position 451, T replaced by C.
Protein change: p.Tyr151His; replaces tyrosine 151 with histidine.
Molecular consequence: missense variant.
Genome position (GRCh38, 1-based): chr5:177,515,805, A>G on the plus strand (T>C on the coding strand, the complement: DDX41 is on the minus strand). VCF-style: chr5-177515805-A-G. GRCh37 (hg19) VCF-style: chr5-176942806-A-G.
Other names: c.73T>C, p.Tyr25His (NM_001321732.2, NM_001321830.2); c.451T>C (NM_016222.2, NM_016222.3); short protein forms Y151H, Y25H.
Identifiers: ClinVar variation 2885390 (VCV002885390.6), dbSNP rs747442017, ClinGen allele CA3585196.

ClinVar aggregate classification (germline): Uncertain significance. Review status: criteria provided, multiple submitters, no conflicts (2 of 4 stars). 4 submissions from 4 submitters: Uncertain significance (4). Last evaluated 2025-03-25.

Conditions:
DDX41-related disorder. Also called: DDX41-related condition.
DDX41-related hematologic malignancy predisposition syndrome. Also called: DDX41-Associated Familial Myelodysplastic Syndrome and Acute Myeloid Leukemia; Myeloproliferative/lymphoproliferative neoplasms, familial (multiple types), susceptibility to. Identifiers: Orphanet 488647, MedGen C4225174, MONDO:0014809, OMIM 616871.
Inborn genetic diseases. Identifiers: MedGen C0950123, MeSH D030342.

Allele frequency attached by ClinVar (database versions not stated): ExAC 0.00001; gnomAD exomes 0.00001; gnomAD 0.00002; TOPMed 0.00002.

Submissions (4):

Labcorp Genetics (formerly Invitae), Labcorp
Classification: Uncertain significance. Last evaluated: 2025-03-25. Review status: criteria provided, single submitter. Criteria: Invitae Variant Classification Sherloc (09022015). Collection method: clinical testing. Allele origin: germline.
Comment: This sequence change replaces tyrosine, which is neutral and polar, with histidine, which is basic and polar, at codon 151 of the DDX41 protein (p.Tyr151His). This variant is present in population databases (rs747442017, gnomAD 0.006%). This variant has not been reported in the literature in individuals affected with DDX41-related conditions. ClinVar contains an entry for this variant (Variation ID: 2885390). An algorithm developed to predict the effect of missense changes on protein structure and function (PolyPhen-2) suggests that this variant is likely to be tolerated. In summary, the available evidence is currently insufficient to determine the role of this variant in disease. Therefore, it has been classified as a Variant of Uncertain Significance.

PreventionGenetics, part of Exact Sciences
Classification: Uncertain significance for DDX41-related condition. Last evaluated: 2025-03-25. Review status: criteria provided, single submitter. Criteria: ACMG Guidelines, 2015. Collection method: clinical testing. Allele origin: germline.
Comment: The DDX41 c.451T>C variant is predicted to result in the amino acid substitution p.Tyr151His. This variant has been observed in an individual with bone marrow failure (Visconte et al. 2024. Abstract 509; DOI 10.1182/blood-2024-208366). This variant is reported in 0.0056% of alleles in individuals of Latino descent in gnomAD. At this time, the clinical significance of this variant is uncertain due to the absence of conclusive functional and genetic evidence.

Ambry Genetics
Classification: Uncertain significance for Inborn genetic diseases. Last evaluated: 2024-12-11. Review status: criteria provided, single submitter. Criteria: Ambry Variant Classification Scheme 2023. Collection method: clinical testing. Allele origin: germline.
Comment: The p.Y151H variant (also known as c.451T>C), located in coding exon 6 of the DDX41 gene, results from a T to C substitution at nucleotide position 451. The tyrosine at codon 151 is replaced by histidine, an amino acid with similar properties. In addition, this variant was observed in 3/454792 unaffected individuals from the United Kingdom Biobank (UKB) and was not observed in 153 AML cases from the UK's 100,000 GenomesProject (Cheloor Kovilakam S et al. Blood, 2023 Oct;142:1185-1192).This amino acid position is highly conserved in available vertebrate species. In addition, this alteration is predicted to be tolerated by in silico analysis. Based on the available evidence, the clinical significance of this variant remains unclear.

Baylor Genetics
Classification: Uncertain significance for DDX41-related hematologic malignancy predisposition syndrome. Last evaluated: 2023-11-23. Review status: criteria provided, single submitter. Criteria: ACMG Guidelines, 2015. Collection method: clinical testing. Allele origin: unknown.

Literature cited by the submitters: PubMed 37506341 (cited by Ambry Genetics); PubMed 37874914 (cited by Ambry Genetics).